The following is an entry in ClinVar:

ClinVar aggregate classification (germline): Uncertain significance (1 of 4 stars; one submission).

Conditions:
GM3 synthase deficiency (SPDRS). Also called: SALT AND PEPPER DEVELOPMENTAL REGRESSION SYNDROME; AMISH INFANTILE EPILEPSY SYNDROME; SALT AND PEPPER MENTAL RETARDATION SYNDROME. Identifiers: Orphanet 171714, Orphanet 370933, MedGen C1836824, MONDO:0018274, OMIM 609056.

gnomAD v4.1: 1 of 1,614,176 alleles (0.000062%); highest among the groups gnomAD compares: South Asian, 0.0011%; no homozygotes.

Submission:

Labcorp Genetics (formerly Invitae), Labcorp
Classification: Uncertain significance for GM3 synthase deficiency. Last evaluated: 2022-10-17. Review status: criteria provided, single submitter. Criteria: Invitae Variant Classification Sherloc (09022015). Collection method: clinical testing. Allele origin: germline.
Comment: In summary, the available evidence is currently insufficient to determine the role of this variant in disease. Therefore, it has been classified as a Variant of Uncertain Significance. Advanced modeling of protein sequence and biophysical properties (such as structural, functional, and spatial information, amino acid conservation, physicochemical variation, residue mobility, and thermodynamic stability) performed at Invitae indicates that this missense variant is not expected to disrupt ST3GAL5 protein function. ClinVar contains an entry for this variant (Variation ID: 1360217). This variant has not been reported in the literature in individuals affected with ST3GAL5-related conditions. This variant is not present in population databases (gnomAD no frequency). This sequence change replaces serine, which is neutral and polar, with cysteine, which is neutral and slightly polar, at codon 257 of the ST3GAL5 protein (p.Ser257Cys).

NM_003896.4(ST3GAL5):c.770C>G (p.Ser257Cys)

Gene: ST3GAL5 (ST3 beta-galactoside alpha-2,3-sialyltransferase 5; minus strand). Cytogenetic location: 2p11.2.
Variant type: single nucleotide variant.
Coding change: c.770C>G on transcript NM_003896.4 (MANE Select); coding-DNA position 770, C replaced by G.
Protein change: p.Ser257Cys; replaces serine 257 with cysteine.
Molecular consequence: missense variant.
Genome position (GRCh38, 1-based): chr2:85,846,456, G>C on the plus strand (C>G on the coding strand, the complement: ST3GAL5 is on the minus strand). VCF-style: chr2-85846456-G-C. GRCh37 (hg19) VCF-style: chr2-86073579-G-C.
Other names: c.686C>G, p.Ser229Cys (NM_001354238.1, NM_001354227.2, NM_001354229.2); c.47C>G, p.Ser16Cys (NM_001354247.1); c.386C>G, p.Ser129Cys (NM_001354248.1, NM_001354223.2, NM_001354224.2 and 3 more transcripts); c.770C>G, p.Ser257Cys (NM_001363847.1); c.701C>G, p.Ser234Cys (NM_001042437.2); short protein forms S257C, S129C, S229C, S234C, S16C.
Identifiers: ClinVar variation 1360217 (VCV001360217.8), dbSNP rs2103949125, ClinGen allele CA347530988.
Genomic context (GRCh38, chr2:85,846,456, plus strand): 5'-ATTGCTTGAAGCCAGTTGAAATCAACACTCTTAAATAAAACAGCAACAAATAAGTCATTG[G>C]AATAATATTCAAGGTCAGACAGTGGTGCGCCCTCTGGATAAGTCATCCTTATAGTAGTTT-3'
Protein context (NP_003887.3, residues 247-267): GAPLSDLEYY[Ser257Cys]NDLFVAVLFK